The following is an entry in ClinVar:

ClinVar aggregate classification (germline): Uncertain significance (1 of 4 stars; one submission).

Conditions:
Inborn genetic diseases. Identifiers: MedGen C0950123, MeSH D030342.

Submission:

Ambry Genetics
Classification: Uncertain significance for Inborn genetic diseases. Last evaluated: 2025-11-18. Review status: criteria provided, single submitter. Criteria: Ambry Variant Classification Scheme 2023. Collection method: clinical testing. Allele origin: germline.
Comment: The p.F479V variant (also known as c.1435T>G), located in coding exon 7 of the SH2B3 gene, results from a T to G substitution at nucleotide position 1435. The phenylalanine at codon 479 is replaced by valine, an amino acid with highly similar properties. This amino acid position is conserved. In addition, this alteration is predicted to be tolerated by in silico analysis. Based on the available evidence, the clinical significance of this variant remains unclear.

NM_005475.3(SH2B3):c.1435T>G (p.Phe479Val)

Gene: SH2B3 (SH2B adaptor protein 3; plus strand). Cytogenetic location: 12q24.12.
Variant type: single nucleotide variant.
Coding change: c.1435T>G on transcript NM_005475.3 (MANE Select); coding-DNA position 1435, T replaced by G.
Protein change: p.Phe479Val; replaces phenylalanine 479 with valine.
Molecular consequence: missense variant.
Genome position (GRCh38, 1-based): chr12:111,448,009, T>G. VCF-style: chr12-111448009-T-G. GRCh37 (hg19) VCF-style: chr12-111885813-T-G.
Other names: c.829T>G, p.Phe277Val (NM_001291424.1); short protein forms F277V, F479V.
Identifiers: ClinVar variation 4630759 (VCV004630759.1).